The following is an entry in ClinVar:

NM_000018.4(ACADVL):c.197C>G (p.Ala66Gly)

Gene: ACADVL (acyl-CoA dehydrogenase very long chain; plus strand). Cytogenetic location: 17p13.1.
Variant type: single nucleotide variant.
Coding change: c.197C>G on transcript NM_000018.4 (MANE Select); coding-DNA position 197, C replaced by G.
Protein change: p.Ala66Gly; replaces alanine 66 with glycine.
Molecular consequence: missense variant. On other transcripts: 5 prime UTR variant (1), intron variant (1).
Genome position (GRCh38, 1-based): chr17:7,220,522, C>G. VCF-style: chr17-7220522-C-G. GRCh37 (hg19) VCF-style: chr17-7123841-C-G.
Other names: c.266C>G, p.Ala89Gly (NM_001270447.2); c.-32C>G (NM_001270448.2); c.139-82C>G (NM_001033859.3); c.197C>G (NM_000018.2); short protein forms A66G, A89G.
Identifiers: ClinVar variation 1397696 (VCV001397696.4), dbSNP rs2071149098, ClinGen allele CA397722296.
Genomic context (GRCh38, chr17:7,220,522, plus strand): 5'-AGCTGGCTCTGGACAAGTCAGATTCCCACCCCTCTGACGCTCTGACCAGGAAAAAACCGG[C>G]CAAGGCGGTAGGTAGCCCCGAGGCCAGGTGGACCTTAGCCAGACCCAACCAGAGCCCTGA-3'
Protein context (NP_000009.1, residues 56-76): PSDALTRKKP[Ala66Gly]KAESKSFAVG

ClinVar aggregate classification (germline): Uncertain significance. Review status: criteria provided, multiple submitters, no conflicts (2 of 4 stars). 2 submissions from 2 submitters: Uncertain significance (2). Last evaluated 2022-06-08.

Conditions:
Very long chain acyl-CoA dehydrogenase deficiency (ACADVLD). Also called: Very Long-Chain Acyl-Coenzyme A Dehydrogenase Deficiency; VLCAD Deficiency. Identifiers: Orphanet 26793, MedGen C3887523, MONDO:0008723, OMIM 201475.
Inborn genetic diseases. Identifiers: MedGen C0950123, MeSH D030342.

Allele frequency attached by ClinVar (database versions not stated): gnomAD exomes below 0.00001; TOPMed below 0.00001.
gnomAD v4.1: 2 of 1,614,232 alleles (0.00012%); highest among the groups gnomAD compares: Non-Finnish European, 0.00017%; no homozygotes.

Submissions (2):

Labcorp Genetics (formerly Invitae), Labcorp
Classification: Uncertain significance for Very long chain acyl-CoA dehydrogenase deficiency. Last evaluated: 2022-06-08. Review status: criteria provided, single submitter. Criteria: Invitae Variant Classification Sherloc (09022015). Collection method: clinical testing. Allele origin: germline.
Comment: This sequence change replaces alanine, which is neutral and non-polar, with glycine, which is neutral and non-polar, at codon 66 of the ACADVL protein (p.Ala66Gly). This variant is not present in population databases (gnomAD no frequency). This variant has not been reported in the literature in individuals affected with ACADVL-related conditions. Algorithms developed to predict the effect of missense changes on protein structure and function (SIFT, PolyPhen-2, Align-GVGD) all suggest that this variant is likely to be tolerated. In summary, the available evidence is currently insufficient to determine the role of this variant in disease. Therefore, it has been classified as a Variant of Uncertain Significance.

Ambry Genetics
Classification: Uncertain significance for Inborn genetic diseases. Last evaluated: 2021-09-16. Review status: criteria provided, single submitter. Criteria: Ambry Variant Classification Scheme 2023. Collection method: clinical testing. Allele origin: germline.